The following is an entry in ClinVar:

NM_004036.5(ADCY3):c.725T>C (p.Met242Thr)

Gene: ADCY3 (adenylate cyclase 3; minus strand). Cytogenetic location: 2p23.3.
Variant type: single nucleotide variant.
Coding change: c.725T>C on transcript NM_004036.5 (MANE Select); coding-DNA position 725, T replaced by C.
Protein change: p.Met242Thr; replaces methionine 242 with threonine.
Molecular consequence: missense variant. On other transcripts: initiator codon variant (1).
Genome position (GRCh38, 1-based): chr2:24,872,670, A>G on the plus strand (T>C on the coding strand, the complement: ADCY3 is on the minus strand). VCF-style: chr2-24872670-A-G. GRCh37 (hg19) VCF-style: chr2-25095539-A-G.
Other names: c.725T>C, p.Met242Thr (NM_001320613.2, NM_001377128.1, NM_001377129.1 and 2 more transcripts); c.2T>C, p.Met1Thr (NM_001377131.1); short protein forms M1T, M242T.
Identifiers: ClinVar variation 3356107 (VCV003356107.1).

ClinVar aggregate classification (germline): Uncertain significance (0 of 4 stars; one submission).

Conditions:
ADCY3-related disorder. Also called: ADCY3-related condition.

Submission:

PreventionGenetics, part of Exact Sciences
Classification: Uncertain significance for ADCY3-related condition. Last evaluated: 2024-08-06. Review status: no assertion criteria provided. Collection method: clinical testing. Allele origin: germline.
Comment: The ADCY3 c.725T>C variant is predicted to result in the amino acid substitution p.Met242Thr. To our knowledge, this variant has not been reported in the literature or in a large population database, indicating this variant is rare. At this time, the clinical significance of this variant is uncertain due to the absence of conclusive functional and genetic evidence.